The following is an entry in ClinVar:

ClinVar aggregate classification (germline): Conflicting classifications of pathogenicity. Review status: criteria provided, conflicting classifications (1 of 4 stars). 2 submissions from 2 submitters: Uncertain significance (1); Likely benign (1). Last evaluated 2025-04-07.

Conditions:
RYR1-related disorder. Also called: RYR1-related disorders; RYR1-related condition. Identifiers: MedGen CN239331.
Malignant hyperthermia, susceptibility to, 1 (MHS1). Also called: Anesthesia related hyperthermia; Malignant hyperpyrexia; Fulminating hyperpyrexia; Pharmacogenic myopathy; RYR1-Related Malignant Hyperthermia Susceptibility; Malignant hyperthermia suceptibility 1. Identifiers: Orphanet 423, MedGen C2930980, MONDO:0007783, OMIM 145600.

Allele frequency attached by ClinVar (database versions not stated): gnomAD exomes below 0.00001; ExAC 0.00001.
gnomAD v4.1: 4 of 1,613,262 alleles (0.00025%); highest among the groups gnomAD compares: East Asian, 0.0022%; no homozygotes.

Submissions (2):

Labcorp Genetics (formerly Invitae), Labcorp
Classification: Likely benign for RYR1-related disorder. Last evaluated: 2025-04-07. Review status: criteria provided, single submitter. Criteria: Invitae Variant Classification Sherloc (09022015). Collection method: clinical testing. Allele origin: germline.

All of Us Research Program, National Institutes of Health
Classification: Uncertain significance for Malignant hyperthermia, susceptibility to, 1. Last evaluated: 2023-04-10. Review status: criteria provided, single submitter. Criteria: ACMG Guidelines, 2015. Collection method: clinical testing. Allele origin: germline. Inheritance: Autosomal dominant inheritance. Observed: 1 variant allele, 1 heterozygote.
Comment: This variant is located in the RYR1 protein. To our knowledge, functional studies have not been reported for this variant. This variant has not been reported in individuals affected with RYR1-related disorders in the literature. This variant has been identified in 1/246640 chromosomes in the general population by the Genome Aggregation Database (gnomAD). The available evidence is insufficient to determine the role of this variant in disease conclusively. Therefore, this variant is classified as a Variant of Uncertain Significance.

This study involves interpretation of variants in research participants for the purpose of population health screening. Participant phenotype was not available at the time of variant classification. Additional details can be found in publication PMID: 35346344, PMCID: PMC8962531

NM_000540.3(RYR1):c.5121C>T (p.Arg1707=)

Gene: RYR1 (ryanodine receptor 1; plus strand). Cytogenetic location: 19q13.2.
Variant type: single nucleotide variant.
Coding change: c.5121C>T on transcript NM_000540.3 (MANE Select); coding-DNA position 5121, C replaced by T.
Protein change: p.Arg1707=; no amino-acid change (arginine 1707 retained).
Molecular consequence: synonymous variant.
Genome position (GRCh38, 1-based): chr19:38,485,776, C>T. VCF-style: chr19-38485776-C-T. GRCh37 (hg19) VCF-style: chr19-38976416-C-T.
Other names: c.5121C>T, p.Arg1707= (NM_001042723.2).
Identifiers: ClinVar variation 1092485 (VCV001092485.10), dbSNP rs749086771, ClinGen allele CA066689.